The following is an entry in ClinVar:

NM_020529.3(NFKBIA):c.197G>C (p.Trp66Ser)

Gene: NFKBIA (NFKB inhibitor alpha; minus strand). Cytogenetic location: 14q13.2.
Variant type: single nucleotide variant.
Coding change: c.197G>C on transcript NM_020529.3 (MANE Select); coding-DNA position 197, G replaced by C.
Protein change: p.Trp66Ser; replaces tryptophan 66 with serine.
Molecular consequence: missense variant.
Genome position (GRCh38, 1-based): chr14:35,404,448, C>G on the plus strand (G>C on the coding strand, the complement: NFKBIA is on the minus strand). VCF-style: chr14-35404448-C-G. GRCh37 (hg19) VCF-style: chr14-35873654-C-G.
Other names: short protein forms W66S.
Identifiers: ClinVar variation 3710466 (VCV003710466.2).

ClinVar aggregate classification (germline): Uncertain significance (1 of 4 stars; one submission).

Conditions:
Ectodermal dysplasia and immunodeficiency 2. Identifiers: Orphanet 238468, Orphanet 98813, MedGen C2677481, MONDO:0012806, OMIM 612132.

gnomAD v4.1: 2 of 1,593,792 alleles (0.00013%); highest among the groups gnomAD compares: East Asian, 0.0023%; no homozygotes.

Submission:

Labcorp Genetics (formerly Invitae), Labcorp
Classification: Uncertain significance for Ectodermal dysplasia and immunodeficiency 2. Last evaluated: 2024-10-13. Review status: criteria provided, single submitter. Criteria: Invitae Variant Classification Sherloc (09022015). Collection method: clinical testing. Allele origin: germline.
Comment: This sequence change replaces tryptophan, which is neutral and slightly polar, with serine, which is neutral and polar, at codon 66 of the NFKBIA protein (p.Trp66Ser). This variant is not present in population databases (gnomAD no frequency). This variant has not been reported in the literature in individuals affected with NFKBIA-related conditions. An algorithm developed to predict the effect of missense changes on protein structure and function (PolyPhen-2) suggests that this variant is likely to be tolerated. In summary, the available evidence is currently insufficient to determine the role of this variant in disease. Therefore, it has been classified as a Variant of Uncertain Significance.